The following is an entry in ClinVar:

NM_000113.3(TOR1A):c.122G>A (p.Arg41His)

Gene: TOR1A (torsin family 1 member A; minus strand). Cytogenetic location: 9q34.11.
Variant type: single nucleotide variant.
Coding change: c.122G>A on transcript NM_000113.3 (MANE Select); coding-DNA position 122, G replaced by A.
Protein change: p.Arg41His; replaces arginine 41 with histidine.
Molecular consequence: missense variant.
Genome position (GRCh38, 1-based): chr9:129,823,964, C>T on the plus strand (G>A on the coding strand, the complement: TOR1A is on the minus strand). VCF-style: chr9-129823964-C-T. GRCh37 (hg19) VCF-style: chr9-132586243-C-T.
Other names: short protein forms R41H.
Identifiers: ClinVar variation 1309266 (VCV001309266.2), dbSNP rs1040218821, ClinGen allele CA200496566.

ClinVar aggregate classification (germline): Uncertain significance (1 of 4 stars; one submission).

Allele frequency attached by ClinVar (database versions not stated): gnomAD exomes 0.00001.
gnomAD v4.1: 4 of 1,611,194 alleles (0.00025%); highest among the groups gnomAD compares: Non-Finnish European, 0.00025%; no homozygotes.

Submission:

GeneDx
Classification: Uncertain significance. Last evaluated: 2019-10-31. Review status: criteria provided, single submitter. Criteria: GeneDx Variant Classification Process June 2021. Collection method: clinical testing. Allele origin: germline. Affected: yes.
Comment: In silico analysis, which includes protein predictors and evolutionary conservation, supports that this variant does not alter protein structure/function; Has not been previously published as pathogenic or benign to our knowledge